The following is an entry in ClinVar:

ClinVar aggregate classification (germline): Uncertain significance (1 of 4 stars; one submission).

Conditions:
Tuberous sclerosis 2 (TSC2). Identifiers: Orphanet 805, MedGen C1860707, MONDO:0013199, OMIM 613254.

Submission:

Labcorp Genetics (formerly Invitae), Labcorp
Classification: Uncertain significance for Tuberous sclerosis 2. Last evaluated: 2023-08-04. Review status: criteria provided, single submitter. Criteria: Invitae Variant Classification Sherloc (09022015). Collection method: clinical testing. Allele origin: germline.
Comment: This variant has not been reported in the literature in individuals affected with TSC2-related conditions. ClinVar contains an entry for this variant (Variation ID: 845033). Advanced modeling of protein sequence and biophysical properties (such as structural, functional, and spatial information, amino acid conservation, physicochemical variation, residue mobility, and thermodynamic stability) performed at Invitae indicates that this missense variant is not expected to disrupt TSC2 protein function. In summary, the available evidence is currently insufficient to determine the role of this variant in disease. Therefore, it has been classified as a Variant of Uncertain Significance. This sequence change replaces phenylalanine, which is neutral and non-polar, with leucine, which is neutral and non-polar, at codon 239 of the TSC2 protein (p.Phe239Leu). This variant is not present in population databases (gnomAD no frequency).

NM_000548.5(TSC2):c.717C>A (p.Phe239Leu)

Gene: TSC2 (TSC complex subunit 2; plus strand). Cytogenetic location: 16p13.3.
Variant type: single nucleotide variant.
Coding change: c.717C>A on transcript NM_000548.5 (MANE Select); coding-DNA position 717, C replaced by A.
Protein change: p.Phe239Leu; replaces phenylalanine 239 with leucine.
Molecular consequence: missense variant.
Genome position (GRCh38, 1-based): chr16:2,056,712, C>A. VCF-style: chr16-2056712-C-A. GRCh37 (hg19) VCF-style: chr16-2106713-C-A.
Other names: c.717C>A, p.Phe239Leu (NM_001077183.3, NM_001114382.3, NM_001363528.2 and 3 more transcripts); c.606C>A, p.Phe202Leu (NM_001318827.2); c.570C>A, p.Phe190Leu (NM_001318829.2); c.117C>A, p.Phe39Leu (NM_001318831.2); c.750C>A, p.Phe250Leu (NM_001318832.2); short protein forms F250L, F39L, F202L, F190L, F239L.
Identifiers: ClinVar variation 845033 (VCV000845033.9), dbSNP rs1567408727, ClinGen allele CA394312721.